The following is an entry in ClinVar:

NM_001164508.2(NEB):c.12274A>G (p.Met4092Val)

Gene: NEB (nebulin; minus strand). Cytogenetic location: 2q23.3.
Variant type: single nucleotide variant.
Coding change: c.12274A>G on transcript NM_001164508.2 (MANE Select); coding-DNA position 12274, A replaced by G.
Protein change: p.Met4092Val; replaces methionine 4092 with valine.
Molecular consequence: missense variant.
Genome position (GRCh38, 1-based): chr2:151,609,865, T>C on the plus strand (A>G on the coding strand, the complement: NEB is on the minus strand). VCF-style: chr2-151609865-T-C. GRCh37 (hg19) VCF-style: chr2-152466379-T-C.
Other names: c.12274A>G, p.Met4092Val (NM_001164507.2, NM_001271208.2); c.11545A>G, p.Met3849Val (NM_004543.5); short protein forms M3849V, M4092V.
Identifiers: ClinVar variation 2172511 (VCV002172511.1), dbSNP rs771158409, ClinGen allele CA1908559.

ClinVar aggregate classification (germline): Uncertain significance (1 of 4 stars; one submission).

Conditions:
Nemaline myopathy 2 (NEM2). Also called: Nemaline myopathy 2, autosomal recessive. Identifiers: MedGen C1850569, MONDO:0009725, OMIM 256030.

Allele frequency attached by ClinVar (database versions not stated): ExAC 0.00001; gnomAD 0.00001.
gnomAD v4.1: 4 of 1,611,700 alleles (0.00025%); highest among the groups gnomAD compares: Admixed American, 0.0033%; no homozygotes.

Submission:

Labcorp Genetics (formerly Invitae), Labcorp
Classification: Uncertain significance for Nemaline myopathy 2. Last evaluated: 2021-12-19. Review status: criteria provided, single submitter. Criteria: Invitae Variant Classification Sherloc (09022015). Collection method: clinical testing. Allele origin: germline.
Comment: This sequence change replaces methionine, which is neutral and non-polar, with valine, which is neutral and non-polar, at codon 4092 of the NEB protein (p.Met4092Val). This variant is present in population databases (rs771158409, gnomAD 0.0009%). This variant has not been reported in the literature in individuals affected with NEB-related conditions. Algorithms developed to predict the effect of missense changes on protein structure and function are either unavailable or do not agree on the potential impact of this missense change (SIFT: "Deleterious"; PolyPhen-2: "Not Available"; Align-GVGD: "Class C0"). In summary, the available evidence is currently insufficient to determine the role of this variant in disease. Therefore, it has been classified as a Variant of Uncertain Significance.